The following is an entry in ClinVar:

NM_005751.5(AKAP9):c.5163-92A>G

Gene: AKAP9 (A-kinase anchoring protein 9; plus strand). Cytogenetic location: 7q21.2.
Variant type: single nucleotide variant.
Coding change: c.5163-92A>G on transcript NM_005751.5 (MANE Select); 92 bases into the intron before coding-DNA position 5163, A replaced by G.
Molecular consequence: intron variant.
Genome position (GRCh38, 1-based): chr7:92,044,916, A>G. VCF-style: chr7-92044916-A-G. GRCh37 (hg19) VCF-style: chr7-91674230-A-G.
Other names: NC_000007.13:g.91674230A>G; c.5163-92A>G (NM_147185.3).
Identifiers: ClinVar variation 674481 (VCV000674481.2), dbSNP rs558339511, ClinGen allele CA161902326.

ClinVar aggregate classification (germline): Likely benign (1 of 4 stars; one submission).

Allele frequency attached by ClinVar (database versions not stated): TOPMed 0.00210; 1000 Genomes Project 30x 0.00234; 1000 Genomes Project 0.00260; gnomAD 0.00516 and 0.00519.
gnomAD v4.1: 4,778 of 959,510 alleles (0.5%); highest among the groups gnomAD compares: South Asian, 0.46%; 45 homozygotes.

Submissions (2):

GeneDx
Classification: Likely benign. Last evaluated: 2018-06-14. Review status: criteria provided, single submitter. Criteria: GeneDx Variant Classification (06012015). Collection method: clinical testing. Allele origin: germline. Affected: yes.
Comment: This variant is considered likely benign or benign based on one or more of the following criteria: it is a conservative change, it occurs at a poorly conserved position in the protein, it is predicted to be benign by multiple in silico algorithms, and/or has population frequency not consistent with disease.

Dr. Peter K. Rogan Lab, Western University
No classification provided (evidence only). Condition: Ovarian serous cystadenocarcinoma. Review status: no classification provided. Collection method: in vitro. Allele origin: not applicable. Functional consequence: retained intron. Not counted in ClinVar's aggregate classification.